The following is an entry in ClinVar:

ClinVar aggregate classification (germline): Uncertain significance (1 of 4 stars; one submission).

Conditions:
TH-deficient dopa-responsive dystonia. Also called: Tyrosine Hydroxylase-Deficient Dopa-Responsive Dystonia; Segawa syndrome, autosomal recessive; DYT-TH. Identifiers: Orphanet 101150, MedGen C2673535, MONDO:0011551, OMIM 605407.

Allele frequency attached by ClinVar (database versions not stated): TOPMed below 0.00001.

Submission:

Labcorp Genetics (formerly Invitae), Labcorp
Classification: Uncertain significance for TH-deficient dopa-responsive dystonia. Last evaluated: 2022-08-01. Review status: criteria provided, single submitter. Criteria: Invitae Variant Classification Sherloc (09022015). Collection method: clinical testing. Allele origin: germline.
Comment: This sequence change falls in intron 11 of the TH gene. It does not directly change the encoded amino acid sequence of the TH protein. It affects a nucleotide within the consensus splice site. This variant is not present in population databases (gnomAD no frequency). This variant has not been reported in the literature in individuals affected with TH-related conditions. Variants that disrupt the consensus splice site are a relatively common cause of aberrant splicing (PMID: 17576681, 9536098). Algorithms developed to predict the effect of sequence changes on RNA splicing suggest that this variant is not likely to affect RNA splicing. In summary, the available evidence is currently insufficient to determine the role of this variant in disease. Therefore, it has been classified as a Variant of Uncertain Significance.

Literature cited by the submitters: PubMed 17576681; PubMed 9536098.

NM_000360.4(TH):c.1104+3G>A

Gene: TH (tyrosine hydroxylase; minus strand). Cytogenetic location: 11p15.5.
Variant type: single nucleotide variant.
Coding change: c.1104+3G>A on transcript NM_000360.4 (MANE Select); 3 bases into the intron after coding-DNA position 1104, G replaced by A.
Molecular consequence: intron variant.
Genome position (GRCh38, 1-based): chr11:2,165,999, C>T on the plus strand (G>A on the coding strand, the complement: TH is on the minus strand). VCF-style: chr11-2165999-C-T. GRCh37 (hg19) VCF-style: chr11-2187229-C-T.
Other names: c.1185+3G>A (NM_199293.3); c.1197+3G>A (NM_199292.3).
Identifiers: ClinVar variation 2142191 (VCV002142191.1), dbSNP rs1846079531, ClinGen allele CA1948004491.